The following is an entry in ClinVar:

ClinVar aggregate classification (germline): Uncertain significance (1 of 4 stars; one submission).

Allele frequency attached by ClinVar (database versions not stated): gnomAD exomes below 0.00001 and 0.00001; ExAC 0.00001; TOPMed 0.00001.
gnomAD v4.1: 11 of 1,614,042 alleles (0.00068%); highest among the groups gnomAD compares: East Asian, 0.0022%; no homozygotes.

Submission:

Labcorp Genetics (formerly Invitae), Labcorp
Classification: Uncertain significance. Last evaluated: 2025-09-02. Review status: criteria provided, single submitter. Criteria: Invitae Variant Classification Sherloc (09022015). Collection method: clinical testing. Allele origin: germline.
Comment: This sequence change replaces tyrosine, which is neutral and polar, with cysteine, which is neutral and slightly polar, at codon 91 of the NDUFB9 protein (p.Tyr91Cys). This variant is present in population databases (rs748640862, gnomAD 0.0009%). This variant has not been reported in the literature in individuals affected with NDUFB9-related conditions. ClinVar contains an entry for this variant (Variation ID: 1372230). An algorithm developed to predict the effect of missense changes on protein structure and function (PolyPhen-2) suggests that this variant is likely to be disruptive. In summary, the available evidence is currently insufficient to determine the role of this variant in disease. Therefore, it has been classified as a Variant of Uncertain Significance.

NM_005005.3(NDUFB9):c.272A>G (p.Tyr91Cys)

Gene: NDUFB9 (NADH:ubiquinone oxidoreductase subunit B9; plus strand). Cytogenetic location: 8q24.13.
Variant type: single nucleotide variant.
Coding change: c.272A>G on transcript NM_005005.3 (MANE Select); coding-DNA position 272, A replaced by G.
Protein change: p.Tyr91Cys; replaces tyrosine 91 with cysteine.
Molecular consequence: missense variant.
Genome position (GRCh38, 1-based): chr8:124,543,257, A>G. VCF-style: chr8-124543257-A-G. GRCh37 (hg19) VCF-style: chr8-125555498-A-G.
Other names: c.104A>G, p.Tyr35Cys (NM_001278645.2); c.143A>G, p.Tyr48Cys (NM_001278646.2); c.239A>G, p.Tyr80Cys (NM_001311168.2); short protein forms Y35C, Y48C, Y80C, Y91C.
Identifiers: ClinVar variation 1372230 (VCV001372230.6), dbSNP rs748640862, ClinGen allele CA4871502.